The following is an entry in ClinVar:

ClinVar aggregate classification (germline): Likely pathogenic (1 of 4 stars; one submission).

Conditions:
Ciliary dyskinesia, primary, 40. Also called: CILIARY DYSKINESIA, PRIMARY, 40, WITH OR WITHOUT SITUS INVERSUS. Identifiers: MedGen C4749028, MONDO:0032664, OMIM 618300.

Submission:

Juno Genomics, Hangzhou Juno Genomics, Inc
Classification: Likely pathogenic for Ciliary dyskinesia, primary, 40. Review status: criteria provided, single submitter. Criteria: ACMG Guidelines, 2015. Collection method: clinical testing. Allele origin: germline.
Comment: Null variant in a gene where loss of function (LOF) is a known mechanism of disease.;Absent from controls (or at extremely low frequency if recessive) in Genome Aggregation Database.

NM_001372.4(DNAH9):c.3641del (p.Pro1214fs)

Gene: DNAH9 (dynein axonemal heavy chain 9; plus strand). Cytogenetic location: 17p12.
Variant type: Deletion.
Coding change: c.3641del on transcript NM_001372.4 (MANE Select); coding-DNA position 3641, one base deleted (C; older notation c.3641delC).
Protein change: p.Pro1214fs; shifts the reading frame from proline 1214.
Molecular consequence: frameshift variant.
Genome position (GRCh38, 1-based): chr17:11,680,787, C deleted; the last of 4 consecutive C bases (chr17:11,680,784-11,680,787); deleting any one gives the same sequence. VCF-style (leftmost placement, unchanged base first): chr17-11680783-GC-G. GRCh37 (hg19) VCF-style: chr17-11584100-GC-G.
Other names: short protein forms P1214fs.
Identifiers: ClinVar variation 5005686 (VCV005005686.2).